The following is an entry in ClinVar:

ClinVar aggregate classification (germline): Likely benign (1 of 4 stars; one submission).

Submission:

CeGaT Center for Human Genetics Tuebingen
Classification: Likely benign. Last evaluated: 2025-01-01. Review status: criteria provided, single submitter. Criteria: CeGaT Center For Human Genetics Tuebingen Variant Classification Criteria Version 2. Collection method: clinical testing. Allele origin: germline. Affected: yes. Observed: 1 variant allele.
Comment: KIF1C: BP4, BP7

NM_006612.6(KIF1C):c.2328C>A (p.Ala776=)

Gene: KIF1C (kinesin family member 1C; plus strand). Cytogenetic location: 17p13.2.
Variant type: single nucleotide variant.
Coding change: c.2328C>A on transcript NM_006612.6 (MANE Select); coding-DNA position 2328, C replaced by A.
Protein change: p.Ala776=; no amino-acid change (alanine 776 retained).
Molecular consequence: synonymous variant.
Genome position (GRCh38, 1-based): chr17:5,022,409, C>A. VCF-style: chr17-5022409-C-A. GRCh37 (hg19) VCF-style: chr17-4925704-C-A.
Identifiers: ClinVar variation 3771620 (VCV003771620.13).